The following is an entry in ClinVar:

ClinVar aggregate classification (germline): Uncertain significance (1 of 4 stars; one submission).

Conditions:
Neuropathy, hereditary sensory and autonomic, type 2A (HSAN2A). Also called: MORVAN DISEASE; NEUROPATHY, CONGENITAL SENSORY; NEUROPATHY, HEREDITARY SENSORY RADICULAR, AUTOSOMAL RECESSIVE; NEUROPATHY, HEREDITARY SENSORY, TYPE IIA; NEUROPATHY, PROGRESSIVE SENSORY, OF CHILDREN; ACROOSTEOLYSIS, GIACCAI TYPE. Identifiers: Orphanet 970, MedGen C2752089, MONDO:0024309, OMIM 201300.
Generalized epilepsy with febrile seizures plus, type 7 (GEFSP7). Also called: GEFS+, TYPE 7. Identifiers: Orphanet 36387, MedGen C2751778, MONDO:0013470, OMIM 613863.

Allele frequency attached by ClinVar (database versions not stated): TOPMed 0.00001.

Submission:

Labcorp Genetics (formerly Invitae), Labcorp
Classification: Uncertain significance for Neuropathy, hereditary sensory and autonomic, type 2A; Generalized epilepsy with febrile seizures plus, type 7. Last evaluated: 2024-01-25. Review status: criteria provided, single submitter. Criteria: Invitae Variant Classification Sherloc (09022015). Collection method: clinical testing. Allele origin: germline.
Comment: This sequence change replaces serine, which is neutral and polar, with glycine, which is neutral and non-polar, at codon 1419 of the SCN9A protein (p.Ser1419Gly). This variant is not present in population databases (gnomAD no frequency). This variant has not been reported in the literature in individuals affected with SCN9A-related conditions. Advanced modeling of protein sequence and biophysical properties (such as structural, functional, and spatial information, amino acid conservation, physicochemical variation, residue mobility, and thermodynamic stability) performed at Invitae indicates that this missense variant is not expected to disrupt SCN9A protein function with a negative predictive value of 95%. In summary, the available evidence is currently insufficient to determine the role of this variant in disease. Therefore, it has been classified as a Variant of Uncertain Significance.

NM_001365536.1(SCN9A):c.4288A>G (p.Ser1430Gly)

Genes: SCN1A-AS1 (SCN1A and SCN9A antisense RNA 1; plus strand), SCN9A (sodium voltage-gated channel alpha subunit 9; minus strand). Cytogenetic location: 2q24.3.
Variant type: single nucleotide variant.
Coding change: c.4288A>G on transcript NM_001365536.1 (MANE Select); coding-DNA position 4288, A replaced by G.
Protein change: p.Ser1430Gly; replaces serine 1430 with glycine.
Molecular consequence: missense variant.
Genome position (GRCh38, 1-based): chr2:166,226,677, T>C on the plus strand (A>G on the coding strand, the complement: SCN9A is on the minus strand). VCF-style: chr2-166226677-T-C. GRCh37 (hg19) VCF-style: chr2-167083187-T-C.
Other names: c.4255A>G, p.Ser1419Gly (NM_002977.4); short protein forms S1419G, S1430G.
Identifiers: ClinVar variation 2926920 (VCV002926920.3), dbSNP rs1694855241, ClinGen allele CA349062070.